The following is an entry in ClinVar:

NM_003737.4(DCHS1):c.8665C>T (p.Arg2889Trp)

Gene: DCHS1 (dachsous cadherin-related 1; minus strand). Cytogenetic location: 11p15.4.
Variant type: single nucleotide variant.
Coding change: c.8665C>T on transcript NM_003737.4 (MANE Select); coding-DNA position 8665, C replaced by T.
Protein change: p.Arg2889Trp; replaces arginine 2889 with tryptophan.
Molecular consequence: missense variant.
Genome position (GRCh38, 1-based): chr11:6,623,011, G>A on the plus strand (C>T on the coding strand, the complement: DCHS1 is on the minus strand). VCF-style: chr11-6623011-G-A. GRCh37 (hg19) VCF-style: chr11-6644242-G-A.
Other names: short protein forms R2889W.
Identifiers: ClinVar variation 2281503 (VCV002281503.4), dbSNP rs377005527, ClinGen allele CA5859382.
Genomic context (GRCh38, chr11:6,623,011, plus strand): 5'-GCAGAGGCCCCCGTGCTATCACCTCCAGCCTCAGCTCCCGTGGTGCTTCCCGCCGGGTCC[G>A]GCCCCCACCCCCAGAGGTGGCTGTTCCGCTGCCTGGTGCCCGACTGTCCACCCGCAGGTA-3'
Protein context (NP_003728.1, residues 2879-2899): SGTATSGGGG[Arg2889Trp]TRREAPRELR

ClinVar aggregate classification (germline): Uncertain significance. Review status: criteria provided, multiple submitters, no conflicts (2 of 4 stars). 2 submissions from 2 submitters: Uncertain significance (2). Last evaluated 2025-04-30.

Conditions:
Inborn genetic diseases. Identifiers: MedGen C0950123, MeSH D030342.

Allele frequency attached by ClinVar (database versions not stated): gnomAD exomes 0.00001; gnomAD 0.00002; TOPMed 0.00002; ESP Exome Variant Server 0.00008.
gnomAD v4.1: 21 of 1,571,620 alleles (0.0013%); highest among the groups gnomAD compares: African/African-American, 0.0041%; no homozygotes.

Submissions (2):

Labcorp Genetics (formerly Invitae), Labcorp
Classification: Uncertain significance. Last evaluated: 2025-04-30. Review status: criteria provided, single submitter. Criteria: Invitae Variant Classification Sherloc (09022015). Collection method: clinical testing. Allele origin: germline.
Comment: This sequence change replaces arginine, which is basic and polar, with tryptophan, which is neutral and slightly polar, at codon 2889 of the DCHS1 protein (p.Arg2889Trp). This variant is present in population databases (rs377005527, gnomAD 0.006%). This variant has not been reported in the literature in individuals affected with DCHS1-related conditions. ClinVar contains an entry for this variant (Variation ID: 2281503). Invitae Evidence Modeling of protein sequence and biophysical properties (such as structural, functional, and spatial information, amino acid conservation, physicochemical variation, residue mobility, and thermodynamic stability) indicates that this missense variant is expected to disrupt DCHS1 protein function with a positive predictive value of 80%. In summary, the available evidence is currently insufficient to determine the role of this variant in disease. Therefore, it has been classified as a Variant of Uncertain Significance.

Ambry Genetics
Classification: Uncertain significance for Inborn genetic diseases. Last evaluated: 2024-10-12. Review status: criteria provided, single submitter. Criteria: Ambry Variant Classification Scheme 2023. Collection method: clinical testing. Allele origin: germline.